The following is an entry in ClinVar:

NM_003412.4(ZIC1):c.274G>T (p.Ala92Ser)

Gene: ZIC1 (Zic family zinc finger 1; plus strand). Cytogenetic location: 3q24.
Variant type: single nucleotide variant.
Coding change: c.274G>T on transcript NM_003412.4 (MANE Select); coding-DNA position 274, G replaced by T.
Protein change: p.Ala92Ser; replaces alanine 92 with serine.
Molecular consequence: missense variant.
Genome position (GRCh38, 1-based): chr3:147,410,386, G>T. VCF-style: chr3-147410386-G-T. GRCh37 (hg19) VCF-style: chr3-147128173-G-T.
Other names: short protein forms A92S.
Identifiers: ClinVar variation 3615052 (VCV003615052.2).
Genomic context (GRCh38, chr3:147,410,386, plus strand): 5'-GCGGCTGCTGCGGCCCTGGGCCATCACCATCACCCGGGCCACGTCGGCTCCTATTCCAGC[G>T]CAGCCTTCAACTCCACGCGGGACTTTCTGTTCCGCAACCGGGGTTTTGGCGACGCGGCGG-3'
Protein context (NP_003403.2, residues 82-102): HPGHVGSYSS[Ala92Ser]AFNSTRDFLF

ClinVar aggregate classification (germline): Uncertain significance (1 of 4 stars; one submission).

gnomAD v4.1: 7 of 1,602,200 alleles (0.00044%); highest among the groups gnomAD compares: Non-Finnish European, 0.00042%; no homozygotes.

Submission:

Labcorp Genetics (formerly Invitae), Labcorp
Classification: Uncertain significance. Last evaluated: 2024-10-10. Review status: criteria provided, single submitter. Criteria: Invitae Variant Classification Sherloc (09022015). Collection method: clinical testing. Allele origin: germline.
Comment: This sequence change replaces alanine, which is neutral and non-polar, with serine, which is neutral and polar, at codon 92 of the ZIC1 protein (p.Ala92Ser). The frequency data for this variant in the population databases is considered unreliable, as metrics indicate poor data quality at this position in the gnomAD database. This variant has not been reported in the literature in individuals affected with ZIC1-related conditions. Invitae Evidence Modeling of protein sequence and biophysical properties (such as structural, functional, and spatial information, amino acid conservation, physicochemical variation, residue mobility, and thermodynamic stability) indicates that this missense variant is not expected to disrupt ZIC1 protein function with a negative predictive value of 80%. In summary, the available evidence is currently insufficient to determine the role of this variant in disease. Therefore, it has been classified as a Variant of Uncertain Significance.